The following is an entry in ClinVar:

NM_201599.3(ZMYM3):c.2367C>G (p.Asn789Lys)

Gene: ZMYM3 (zinc finger MYM-type containing 3; minus strand). Cytogenetic location: Xq13.1.
Variant type: single nucleotide variant.
Coding change: c.2367C>G on transcript NM_201599.3 (MANE Select); coding-DNA position 2367, C replaced by G.
Protein change: p.Asn789Lys; replaces asparagine 789 with lysine.
Molecular consequence: missense variant.
Genome position (GRCh38, 1-based): chrX:71,246,640, G>C on the plus strand (C>G on the coding strand, the complement: ZMYM3 is on the minus strand). VCF-style: chrX-71246640-G-C. GRCh37 (hg19) VCF-style: chrX-70466490-G-C.
Other names: c.2367C>G, p.Asn789Lys (NM_001171162.1, NM_005096.3); short protein forms N789K.
Identifiers: ClinVar variation 774753 (VCV000774753.7), dbSNP rs151152741, ClinGen allele CA10445640.
Genomic context (GRCh38, chrX:71,246,640, plus strand): 5'-GGCTTTTGCCCCGACCTTGCCCAAATTCCCATTTTCCTCTGGGGTCCTCACTGTGTTGCT[G>C]TTCTCCACTTTGGTTTGAGAGGGTGTCTGGGGTTTTGACTCAGGAGACTGACCTGTAGAT-3'
Protein context (NP_963893.1, residues 779-799): PQTPSQTKVE[Asn789Lys]SNTVRTPEEN

ClinVar aggregate classification (germline): Benign. Review status: criteria provided, multiple submitters, no conflicts (2 of 4 stars). 3 submissions from 3 submitters: Benign (2). 1 of the submissions does not count toward it. Last evaluated 2019-12-31.

Conditions:
ZMYM3-related disorder. Also called: ZMYM3-related condition.

Allele frequency attached by ClinVar (database versions not stated): 1000 Genomes Project 0.00477; 1000 Genomes Project 30x 0.00499; ESP Exome Variant Server 0.00795; TOPMed 0.00798; gnomAD 0.00861 and 0.00876; gnomAD exomes 0.00864 and 0.01199; ExAC 0.00868.
gnomAD v4.1: 14,132 of 1,209,862 alleles (1.2%); highest among the groups gnomAD compares: South Asian, 1.3%; 79 homozygotes.

Submissions (3):

Labcorp Genetics (formerly Invitae), Labcorp
Classification: Benign. Last evaluated: 2019-12-31. Review status: criteria provided, single submitter. Criteria: Invitae Variant Classification Sherloc (09022015). Collection method: clinical testing. Allele origin: germline.

Breakthrough Genomics
Classification: Benign. Review status: criteria provided, single submitter. Criteria: ACMG Guidelines, 2015. Collection method: not provided. Allele origin: germline. Inheritance: Unknown mechanism. Affected: yes.

PreventionGenetics, part of Exact Sciences
Classification: Benign for ZMYM3-related condition. Last evaluated: 2019-08-09. Review status: no assertion criteria provided. Collection method: clinical testing. Allele origin: germline. Not counted in ClinVar's aggregate classification.
Comment: This variant is classified as benign based on ACMG/AMP sequence variant interpretation guidelines (Richards et al. 2015 PMID: 25741868, with internal and published modifications).